The following is an entry in ClinVar:

ClinVar aggregate classification (germline): Pathogenic (1 of 4 stars; one submission).

Conditions:
Aicardi Goutieres syndrome (AGS). Also called: Encephalopathy, familial infantile, with calcification of basal ganglia and chronic cerebrospinal fluid lymphocytosis. Identifiers: Orphanet 51, MedGen C0393591, MONDO:0018866.

Submission:

Women's Health and Genetics/Laboratory Corporation of America, LabCorp
Classification: Pathogenic for Aicardi Goutieres syndrome. Last evaluated: 2024-08-21. Review status: criteria provided, single submitter. Criteria: LabCorp Variant Classification Summary - May 2015. Collection method: clinical testing. Allele origin: germline.
Comment: Variant summary: The variant involves the deletion of exons 8-9 in the RNASEH2B gene. A presumed nomenclature of c.(616+1_617-1)_(741+1_742-1)del has been designated for the purposes of this classification. This Copy Number Variant (CNV) is expected to alter the reading frame and predicted to result in a truncation or absence of the encoded protein due to nonsense mediated decay (NMD). The variant was absent in 21694 control chromosomes. To our knowledge, no occurrence of c.(616+1_617-1)_(741+1_742-1)del in individuals affected with Aicardi Goutieres Syndrome and no experimental evidence demonstrating its impact on protein function have been reported. No submitters have cited clinical-significance assessments for this variant to ClinVar. Based on the evidence outlined above, the variant was classified as pathogenic.

NC_000013.10:g.(51519669_51522122)_(51523642_51528040)del

Gene: RNASEH2B (ribonuclease H2 subunit B; plus strand). Cytogenetic location: 13q14.3.
Variant type: Deletion.
Identifiers: ClinVar variation 3366699 (VCV003366699.1).